The following is an entry in ClinVar:

NM_006371.5(CRTAP):c.257G>C (p.Arg86Pro)

Gene: CRTAP (cartilage associated protein; plus strand). Cytogenetic location: 3p22.3.
Variant type: single nucleotide variant.
Coding change: c.257G>C on transcript NM_006371.5 (MANE Select); coding-DNA position 257, G replaced by C.
Protein change: p.Arg86Pro; replaces arginine 86 with proline.
Molecular consequence: missense variant.
Genome position (GRCh38, 1-based): chr3:33,114,334, G>C. VCF-style: chr3-33114334-G-C. GRCh37 (hg19) VCF-style: chr3-33155826-G-C.
Other names: c.257G>C, p.Arg86Pro (NM_001393363.1, NM_001393364.1, NM_001393365.1); short protein forms R86P.
Identifiers: ClinVar variation 1443418 (VCV001443418.6), dbSNP rs2125595979, ClinGen allele CA352008481.

ClinVar aggregate classification (germline): Uncertain significance. Review status: criteria provided, multiple submitters, no conflicts (2 of 4 stars). 2 submissions from 2 submitters: Uncertain significance (2). Last evaluated 2021-08-24.

Conditions:
Osteogenesis imperfecta (OI). Identifiers: Orphanet 666, MedGen C0029434, MeSH D010013, MONDO:0019019.
Osteogenesis imperfecta type 7 (OI7). Also called: OSTEOGENESIS IMPERFECTA, TYPE IIB; OI type 7; OI type VII; Osteogenesis imperfecta type 2B; OI type 2B; Osteogenesis imperfecta, perinatal lethal autosomal recessive. Identifiers: MedGen C1853162, MONDO:0012536, OMIM 610682.

gnomAD v4.1: 1 of 1,535,120 alleles (0.000065%); highest among the groups gnomAD compares: Non-Finnish European, 0.000087%; no homozygotes.

Submissions (2):

Labcorp Genetics (formerly Invitae), Labcorp
Classification: Uncertain significance for Osteogenesis imperfecta type 7. Last evaluated: 2021-08-24. Review status: criteria provided, single submitter. Criteria: Invitae Variant Classification Sherloc (09022015). Collection method: clinical testing. Allele origin: germline.
Comment: This sequence change replaces arginine with proline at codon 86 of the CRTAP protein (p.Arg86Pro). The arginine residue is moderately conserved and there is a moderate physicochemical difference between arginine and proline. The frequency data for this variant in the population databases is considered unreliable, as metrics indicate insufficient coverage at this position in the ExAC database. This variant has not been reported in the literature in individuals affected with CRTAP-related conditions. Algorithms developed to predict the effect of missense changes on protein structure and function are either unavailable or do not agree on the potential impact of this missense change (SIFT: "Tolerated"; PolyPhen-2: "Possibly Damaging"; Align-GVGD: "Class C0"). In summary, the available evidence is currently insufficient to determine the role of this variant in disease. Therefore, it has been classified as a Variant of Uncertain Significance.

Genome Diagnostics Laboratory, The Hospital for Sick Children
Classification: Uncertain significance for Osteogenesis imperfecta. Last evaluated: 2020-01-01. Review status: criteria provided, single submitter. Criteria: ACMG Guidelines, 2015. Collection method: clinical testing. Allele origin: germline.